The following is an entry in ClinVar:

NM_001304561.2(BTNL2):c.-6G>A

Genes: BTNL2 (butyrophilin like 2), TSBP1-AS1 (TSBP1 and BTNL2 antisense RNA 1). Cytogenetic location: 6p21.32.
Variant type: single nucleotide variant.
Coding change: c.-6G>A on transcript NM_001304561.2 (MANE Select); 6 bases upstream of the start codon, G replaced by A.
Molecular consequence: 5 prime UTR variant. On other transcripts: non-coding transcript variant (1).
Genome position (GRCh38, 1-based): chr6:32,407,129, C>T on the plus strand (G>A on the coding strand, the complement: BTNL2 is on the minus strand). VCF-style: chr6-32407129-C-T. GRCh37 (hg19) VCF-style: chr6-32374906-C-T.
Identifiers: ClinVar variation 4533483 (VCV004533483.6).

ClinVar aggregate classification (germline): Likely benign (1 of 4 stars; one submission).

Submission:

CeGaT Center for Human Genetics Tuebingen
Classification: Likely benign. Last evaluated: 2025-08-01. Review status: criteria provided, single submitter. Criteria: CeGaT Center For Human Genetics Tuebingen Variant Classification Criteria Version 2. Collection method: clinical testing. Allele origin: germline. Affected: yes. Observed: 1 variant allele.
Comment: TSBP1-AS1: BS2